The following is an entry in ClinVar:

ClinVar aggregate classification (germline): Benign (1 of 4 stars; one submission).

Allele frequency attached by ClinVar (database versions not stated): ESP Exome Variant Server 0.00008; 1000 Genomes Project 0.00020; 1000 Genomes Project 30x 0.00031.
gnomAD v4.1: 597 of 1,611,016 alleles (0.037%); highest among the groups gnomAD compares: Middle Eastern, 0.66%; 7 homozygotes.

Submission:

CeGaT Center for Human Genetics Tuebingen
Classification: Benign. Last evaluated: 2023-01-01. Review status: criteria provided, single submitter. Criteria: CeGaT Center For Human Genetics Tuebingen Variant Classification Criteria Version 2. Collection method: clinical testing. Allele origin: germline. Affected: yes. Observed: 2 variant alleles.
Comment: AHNAK2: BS1, BS2

NM_138420.4(AHNAK2):c.8501C>T (p.Ala2834Val)

Gene: AHNAK2 (AHNAK nucleoprotein 2; minus strand). Cytogenetic location: 14q32.33.
Variant type: single nucleotide variant.
Coding change: c.8501C>T on transcript NM_138420.4 (MANE Select); coding-DNA position 8501, C replaced by T.
Protein change: p.Ala2834Val; replaces alanine 2834 with valine.
Molecular consequence: missense variant.
Genome position (GRCh38, 1-based): chr14:104,946,950, G>A on the plus strand (C>T on the coding strand, the complement: AHNAK2 is on the minus strand). VCF-style: chr14-104946950-G-A. GRCh37 (hg19) VCF-style: chr14-105413287-G-A.
Other names: c.8201C>T, p.Ala2734Val (NM_001350929.2); short protein forms A2734V, A2834V.
Identifiers: ClinVar variation 2644700 (VCV002644700.24), dbSNP rs200469922, ClinGen allele CA7380056.